The following is an entry in ClinVar:

NM_001364905.1(LRBA):c.6847G>A (p.Asp2283Asn)

Gene: LRBA (LPS responsive beige-like anchor protein; minus strand). Cytogenetic location: 4q31.3.
Variant type: single nucleotide variant.
Coding change: c.6847G>A on transcript NM_001364905.1 (MANE Select); coding-DNA position 6847, G replaced by A.
Protein change: p.Asp2283Asn; replaces aspartic acid 2283 with asparagine.
Molecular consequence: missense variant.
Genome position (GRCh38, 1-based): chr4:150,436,798, C>T on the plus strand (G>A on the coding strand, the complement: LRBA is on the minus strand). VCF-style: chr4-150436798-C-T. GRCh37 (hg19) VCF-style: chr4-151357950-C-T.
Other names: c.6847G>A, p.Asp2283Asn (NM_001199282.3, NM_001367550.1); c.6880G>A, p.Asp2294Asn (NM_006726.5); short protein forms D2283N, D2294N.
Identifiers: ClinVar variation 973647 (VCV000973647.8), dbSNP rs939898061, ClinGen allele CA108349098.

ClinVar aggregate classification (germline): Uncertain significance. Review status: criteria provided, multiple submitters, no conflicts (2 of 4 stars). 3 submissions from 3 submitters: Uncertain significance (2). 1 of the submissions does not count toward it. Last evaluated 2025-03-04.

Conditions:
Combined immunodeficiency due to LRBA deficiency. Also called: Common variable immunodeficiency 8, with autoimmunity. Identifiers: Orphanet 445018, MedGen C3553512, MONDO:0013863, OMIM 614700.

Allele frequency attached by ClinVar (database versions not stated): gnomAD exomes 0.00001 and 0.00005; TOPMed 0.00001.
gnomAD v4.1: 67 of 1,613,708 alleles (0.0042%); highest among the groups gnomAD compares: Non-Finnish European, 0.0056%; no homozygotes.

Submissions (3):

Center for Genomic Medicine, Rigshospitalet, Copenhagen University Hospital
Classification: Uncertain significance. Last evaluated: 2025-03-04. Review status: criteria provided, single submitter. Criteria: ACMG Guidelines, 2015. Collection method: clinical testing. Allele origin: germline.

Labcorp Genetics (formerly Invitae), Labcorp
Classification: Uncertain significance for Combined immunodeficiency due to LRBA deficiency. Last evaluated: 2024-04-02. Review status: criteria provided, single submitter. Criteria: Invitae Variant Classification Sherloc (09022015). Collection method: clinical testing. Allele origin: germline.
Comment: This sequence change replaces aspartic acid, which is acidic and polar, with asparagine, which is neutral and polar, at codon 2294 of the LRBA protein (p.Asp2294Asn). This variant is present in population databases (no rsID available, gnomAD 0.002%). This missense change has been observed in individual(s) with LRBA-related conditions (PMID: 34573280). ClinVar contains an entry for this variant (Variation ID: 973647). Advanced modeling of protein sequence and biophysical properties (such as structural, functional, and spatial information, amino acid conservation, physicochemical variation, residue mobility, and thermodynamic stability) performed at Invitae indicates that this missense variant is not expected to disrupt LRBA protein function with a negative predictive value of 80%. In summary, the available evidence is currently insufficient to determine the role of this variant in disease. Therefore, it has been classified as a Variant of Uncertain Significance.

UOSD Laboratory of Genetics & Genomics of Rare Diseases, Istituto Giannina Gaslini
Classification: Uncertain significance for Combined immunodeficiency due to LRBA deficiency. Last evaluated: 2020-05-21. Review status: no assertion criteria provided. Collection method: clinical testing. Allele origin: germline. Affected: yes. Observed: 1 variant allele. Not counted in ClinVar's aggregate classification.

Literature cited by the submitters: PubMed 34573280 (cited by Center for Genomic Medicine, Rigshospitalet, Copenhagen University Hospital and Labcorp Genetics (formerly Invitae), Labcorp).